The following is an entry in ClinVar:

NM_001004334.4(GPR179):c.4713G>T (p.Gln1571His)

Gene: GPR179 (G protein-coupled receptor 179; minus strand). Cytogenetic location: 17q12.
Variant type: single nucleotide variant.
Coding change: c.4713G>T on transcript NM_001004334.4 (MANE Select); coding-DNA position 4713, G replaced by T.
Protein change: p.Gln1571His; replaces glutamine 1571 with histidine.
Molecular consequence: missense variant.
Genome position (GRCh38, 1-based): chr17:38,328,856, C>A on the plus strand (G>T on the coding strand, the complement: GPR179 is on the minus strand). VCF-style: chr17-38328856-C-A. GRCh37 (hg19) VCF-style: chr17-36484739-C-A.
Other names: short protein forms Q1571H.
Identifiers: ClinVar variation 1370304 (VCV001370304.3), dbSNP rs199691238, ClinGen allele CA290103964.
Genomic context (GRCh38, chr17:38,328,856, plus strand): 5'-TTCTGTTTTGGCAGGTGTTGCTTCCTGTGCCTCCGGCCTGAGATCTTCCTGTGGACACAC[C>A]TGCGTTGCTCTGCTTCCTCCATTGCATAGGAATTGGCTACCAGCTTTGGATGAGGAATTG-3'
Protein context (NP_001004334.3, residues 1561-1581): FLCNGGSRAT[Gln1571His]VCPQEDLRPE

ClinVar aggregate classification (germline): Uncertain significance (1 of 4 stars; one submission).

gnomAD v4.1: 3 of 1,613,346 alleles (0.00019%); highest among the groups gnomAD compares: Admixed American, 0.0017%; no homozygotes.

Submission:

Labcorp Genetics (formerly Invitae), Labcorp
Classification: Uncertain significance. Last evaluated: 2022-08-22. Review status: criteria provided, single submitter. Criteria: Invitae Variant Classification Sherloc (09022015). Collection method: clinical testing. Allele origin: germline.
Comment: This sequence change replaces glutamine, which is neutral and polar, with histidine, which is basic and polar, at codon 1571 of the GPR179 protein (p.Gln1571His). This variant is present in population databases (rs199691238, gnomAD 0.0009%). This variant has not been reported in the literature in individuals affected with GPR179-related conditions. ClinVar contains an entry for this variant (Variation ID: 1370304). Algorithms developed to predict the effect of missense changes on protein structure and function output the following: SIFT: "Tolerated"; PolyPhen-2: "Benign"; Align-GVGD: "Class C0". The histidine amino acid residue is found in multiple mammalian species, which suggests that this missense change does not adversely affect protein function. In summary, the available evidence is currently insufficient to determine the role of this variant in disease. Therefore, it has been classified as a Variant of Uncertain Significance.